The following is an entry in ClinVar:

ClinVar aggregate classification (germline): Uncertain significance (1 of 4 stars; one submission).

Conditions:
Inborn genetic diseases. Identifiers: MedGen C0950123, MeSH D030342.

Submission:

Ambry Genetics
Classification: Uncertain significance for Inborn genetic diseases. Last evaluated: 2021-05-10. Review status: criteria provided, single submitter. Criteria: Ambry Variant Classification Scheme 2023. Collection method: clinical testing. Allele origin: germline.
Comment: The c.6343_6344delCCinsAA (p.P2115N) alteration, located in exon 37 (coding exon 37) of the CACNA1G gene, consists of an in-frame substitution of 2 nucleotides from position 6343 to 6344, resulting in the insertion of 1 residue. Based on insufficient or conflicting evidence, the clinical significance of this alteration remains unclear.

NM_018896.5(CACNA1G):c.6343_6344delinsAA (p.Pro2115Asn)

Gene: CACNA1G (calcium voltage-gated channel subunit alpha1 G; plus strand). Cytogenetic location: 17q21.33.
Variant type: Indel.
Coding change: c.6343_6344delinsAA on transcript NM_018896.5 (MANE Select); coding-DNA positions 6343 to 6344, CC replaced by AA.
Protein change: p.Pro2115Asn; replaces proline 2115 with asparagine.
Molecular consequence: missense variant. On other transcripts: non-coding transcript variant (5).
Genome position (GRCh38, 1-based): chr17:50,624,473-50,624,474, CC replaced by AA. VCF-style: chr17-50624473-CC-AA. GRCh37 (hg19) VCF-style: chr17-48701834-CC-AA.
Other names: c.6154_6155delinsAA, p.Pro2052Asn (NM_001256324.2); c.6085_6086delinsAA, p.Pro2029Asn (NM_001256325.2); c.6073_6074delinsAA, p.Pro2025Asn (NM_001256326.2); c.6043_6044delinsAA, p.Pro2015Asn (NM_001256327.2); c.5989_5990delinsAA, p.Pro1997Asn (NM_001256328.2); c.5962_5963delinsAA, p.Pro1988Asn (NM_001256329.2, NM_198376.3, NM_198387.3); c.5929_5930delinsAA, p.Pro1977Asn (NM_001256330.2); c.5908_5909delinsAA, p.Pro1970Asn (NM_001256331.2); and 15 more; short protein forms P1999N, P2011N, P2036N, P2059N, P2070N, P1977N, P1997N, P2022N.
Identifiers: ClinVar variation 2231128 (VCV002231128.2), dbSNP rs2545881623, ClinGen allele CA2580094211.